The following is an entry in ClinVar:

ClinVar aggregate classification (germline): Uncertain significance (1 of 4 stars; one submission).

Conditions:
SLC22A12-related disorder. Also called: SLC22A12-related condition.

gnomAD v4.1: 22 of 1,612,896 alleles (0.0014%); highest among the groups gnomAD compares: Non-Finnish European, 0.0018%; no homozygotes.

Submission:

PreventionGenetics, part of Exact Sciences
Classification: Uncertain significance for SLC22A12-related condition. Last evaluated: 2025-07-12. Review status: criteria provided, single submitter. Criteria: ACMG Guidelines, 2015. Collection method: clinical testing. Allele origin: germline.
Comment: The SLC22A12 c.110T>C variant is predicted to result in the amino acid substitution p.Leu37Pro. To our knowledge, this variant has not been reported in the literature. This variant is reported in 0.0054% of alleles in individuals of European (Non-Finnish) descent in gnomAD. At this time, the clinical significance of this variant is uncertain due to the absence of conclusive functional and genetic evidence.

NM_144585.4(SLC22A12):c.110T>C (p.Leu37Pro)

Gene: SLC22A12 (solute carrier family 22 member 12; plus strand). Cytogenetic location: 11q13.1.
Variant type: single nucleotide variant.
Coding change: c.110T>C on transcript NM_144585.4 (MANE Select); coding-DNA position 110, T replaced by C.
Protein change: p.Leu37Pro; replaces leucine 37 with proline.
Molecular consequence: missense variant. On other transcripts: 5 prime UTR variant (1).
Genome position (GRCh38, 1-based): chr11:64,591,666, T>C. VCF-style: chr11-64591666-T-C. GRCh37 (hg19) VCF-style: chr11-64359138-T-C.
Other names: c.110T>C, p.Leu37Pro (NM_001276326.2, NM_001276327.2); c.-399T>C (NM_153378.3); short protein forms L37P.
Identifiers: ClinVar variation 4983048 (VCV004983048.1).